The following is an entry in ClinVar:

NM_024529.5(CDC73):c.1259G>C (p.Ser420Thr)

Gene: CDC73 (cell division cycle 73; plus strand). Cytogenetic location: 1q31.2.
Variant type: single nucleotide variant.
Coding change: c.1259G>C on transcript NM_024529.5 (MANE Select); coding-DNA position 1259, G replaced by C.
Protein change: p.Ser420Thr; replaces serine 420 with threonine.
Molecular consequence: missense variant.
Genome position (GRCh38, 1-based): chr1:193,233,097, G>C. VCF-style: chr1-193233097-G-C. GRCh37 (hg19) VCF-style: chr1-193202227-G-C.
Other names: short protein forms S420T.
Identifiers: ClinVar variation 1762587 (VCV001762587.3), dbSNP rs2527494088, ClinGen allele CA344077947.
Genomic context (GRCh38, chr1:193,233,097, plus strand): 5'-AAAATGAAACTCTAATACAAAGAAGAAAAGACCAGATGCAACCAGGGGGCACTGCAATTA[G>C]TGTTACAGTACCTTATAGAGTAGTAGACCAGCCCCTTAAACTTATGCCTCAAGACTGGTA-3'
Protein context (NP_078805.3, residues 410-430): DQMQPGGTAI[Ser420Thr]VTVPYRVVDQ

ClinVar aggregate classification (germline): Uncertain significance. Review status: criteria provided, multiple submitters, no conflicts (2 of 4 stars). 2 submissions from 2 submitters: Uncertain significance (2). Last evaluated 2025-09-14.

Conditions:
Hereditary cancer-predisposing syndrome. Also called: Neoplastic Syndromes, Hereditary; Tumor predisposition; Hereditary Cancer Syndrome; Hereditary neoplastic syndrome. Identifiers: Orphanet 140162, MedGen C0027672, MeSH D009386, MONDO:0015356.
Parathyroid carcinoma (PRTC). Also called: Parathyroid gland carcinoma; CDC73-Related Parathyroid Carcinoma. Identifiers: Orphanet 143, MedGen C0687150, MONDO:0012004, OMIM 608266, HP:0006780.

Submissions (2):

Labcorp Genetics (formerly Invitae), Labcorp
Classification: Uncertain significance for Parathyroid carcinoma. Last evaluated: 2025-09-14. Review status: criteria provided, single submitter. Criteria: Invitae Variant Classification Sherloc (09022015). Collection method: clinical testing. Allele origin: germline.
Comment: This sequence change replaces serine, which is neutral and polar, with threonine, which is neutral and polar, at codon 420 of the CDC73 protein (p.Ser420Thr). This variant is not present in population databases (gnomAD no frequency). This variant has not been reported in the literature in individuals affected with CDC73-related conditions. ClinVar contains an entry for this variant (Variation ID: 1762587). An algorithm developed to predict the effect of missense changes on protein structure and function (PolyPhen-2) suggests that this variant is likely to be tolerated. In summary, the available evidence is currently insufficient to determine the role of this variant in disease. Therefore, it has been classified as a Variant of Uncertain Significance.

Ambry Genetics
Classification: Uncertain significance for Hereditary cancer-predisposing syndrome. Last evaluated: 2022-03-04. Review status: criteria provided, single submitter. Criteria: Ambry Variant Classification Scheme 2023. Collection method: clinical testing. Allele origin: germline.
Comment: The p.S420T variant (also known as c.1259G>C), located in coding exon 14 of the CDC73 gene, results from a G to C substitution at nucleotide position 1259. The serine at codon 420 is replaced by threonine, an amino acid with similar properties. This amino acid position is conserved. In addition, this alteration is predicted to be tolerated by in silico analysis. Since supporting evidence is limited at this time, the clinical significance of this alteration remains unclear.